The following is an entry in ClinVar:

ClinVar aggregate classification (germline): Uncertain significance (1 of 4 stars; one submission).

Conditions:
Cardiovascular phenotype. Identifiers: MedGen CN230736.

Submission:

Ambry Genetics
Classification: Uncertain significance for Cardiovascular phenotype. Last evaluated: 2024-12-21. Review status: criteria provided, single submitter. Criteria: Ambry Variant Classification Scheme 2023. Collection method: clinical testing. Allele origin: germline.
Comment: The p.V316E variant (also known as c.947T>A), located in coding exon 5 of the JUP gene, results from a T to A substitution at nucleotide position 947. The valine at codon 316 is replaced by glutamic acid, an amino acid with dissimilar properties. This amino acid position is conserved. In addition, this alteration is predicted to be deleterious by in silico analysis. Based on the available evidence, the clinical significance of this variant remains unclear.

NM_002230.4(JUP):c.947T>A (p.Val316Glu)

Gene: JUP (junction plakoglobin; minus strand). Cytogenetic location: 17q21.2.
Variant type: single nucleotide variant.
Coding change: c.947T>A on transcript NM_002230.4 (MANE Select); coding-DNA position 947, T replaced by A.
Protein change: p.Val316Glu; replaces valine 316 with glutamic acid.
Molecular consequence: missense variant.
Genome position (GRCh38, 1-based): chr17:41,765,030, A>T on the plus strand (T>A on the coding strand, the complement: JUP is on the minus strand). VCF-style: chr17-41765030-A-T. GRCh37 (hg19) VCF-style: chr17-39921282-A-T.
Other names: c.947T>A, p.Val316Glu (NM_001352773.2, NM_001352774.2, NM_001352775.2 and 3 more transcripts); short protein forms V316E.
Identifiers: ClinVar variation 3862358 (VCV003862358.1).
Genomic context (GRCh38, chr17:41,765,030, plus strand): 5'-TTGAGCACACGACTGGTGGTCCAGAGCAGCTTTTCATAACTGTAGTTACGCATGATCTGC[A>T]CGAGGGCCTGGGGCCCACCATTGGCCAGGATGATCAGCTATGGGTAAAGAGGGAATGAGT-3'
Protein context (NP_002221.1, residues 306-326): ILANGGPQAL[Val316Glu]QIMRNYSYEK